The following is an entry in ClinVar:

NM_001395380.1(PRR33):c.15T>C (p.Ala5=)

Genes: LSP1 (lymphocyte specific protein 1; plus strand), PRR33 (proline rich 33; minus strand). Cytogenetic location: 11p15.5.
Variant type: single nucleotide variant.
Coding change: c.15T>C on transcript NM_001395380.1 (MANE Select); coding-DNA position 15, T replaced by C.
Protein change: p.Ala5=; no amino-acid change (alanine 5 retained).
Molecular consequence: synonymous variant. On other transcripts: intron variant (6).
Genome position (GRCh38, 1-based): chr11:1,890,570, A>G on the plus strand (T>C on the coding strand, the complement: PRR33 is on the minus strand). VCF-style: chr11-1890570-A-G. GRCh37 (hg19) VCF-style: chr11-1911800-A-G.
Other names: c.*14-1203A>G (NM_002339.3, NM_001242932.2, NM_001013253.2 and 3 more transcripts).
Identifiers: ClinVar variation 2641352 (VCV002641352.24), dbSNP rs990170742, ClinGen allele CA216223667.

ClinVar aggregate classification (germline): Likely benign (1 of 4 stars; one submission).

Allele frequency attached by ClinVar (database versions not stated): gnomAD 0.00006; TOPMed 0.00008; gnomAD exomes 0.00009.
gnomAD v4.1: 57 of 708,914 alleles (0.008%); highest among the groups gnomAD compares: Non-Finnish European, 0.012%; no homozygotes.

Submission:

CeGaT Center for Human Genetics Tuebingen
Classification: Likely benign. Last evaluated: 2022-06-01. Review status: criteria provided, single submitter. Criteria: CeGaT Center For Human Genetics Tuebingen Variant Classification Criteria Version 2. Collection method: clinical testing. Allele origin: germline. Affected: yes. Observed: 1 variant allele.
Comment: PRR33: BP4, BP7